The following is an entry in ClinVar:

NM_002582.4(PARN):c.227A>G (p.Tyr76Cys)

Gene: PARN (poly(A)-specific ribonuclease; minus strand). Cytogenetic location: 16p13.12.
Variant type: single nucleotide variant.
Coding change: c.227A>G on transcript NM_002582.4 (MANE Select); coding-DNA position 227, A replaced by G.
Protein change: p.Tyr76Cys; replaces tyrosine 76 with cysteine.
Molecular consequence: missense variant. On other transcripts: intron variant (1).
Genome position (GRCh38, 1-based): chr16:14,627,287, T>C on the plus strand (A>G on the coding strand, the complement: PARN is on the minus strand). VCF-style: chr16-14627287-T-C. GRCh37 (hg19) VCF-style: chr16-14721144-T-C.
Other names: c.44A>G, p.Tyr15Cys (NM_001134477.3); c.159-151A>G (NM_001242992.2); short protein forms Y15C, Y76C.
Identifiers: ClinVar variation 1314573 (VCV001314573.5), dbSNP rs752306700, ClinGen allele CA7912496.

ClinVar aggregate classification (germline): Uncertain significance. Review status: criteria provided, multiple submitters, no conflicts (2 of 4 stars). 2 submissions from 2 submitters: Uncertain significance (2). Last evaluated 2024-01-19.

Conditions:
Dyskeratosis congenita, autosomal recessive 6 (DKCB6). Identifiers: MedGen C4225356, MONDO:0014600, OMIM 616353.
Pulmonary fibrosis and/or bone marrow failure, Telomere-related, 4. Also called: PULMONARY FIBROSIS AND/OR BONE MARROW FAILURE SYNDROME, TELOMERE-RELATED, 4. Identifiers: Orphanet 2032, MedGen C4225347, MONDO:0014612, OMIM 616371.

Allele frequency attached by ClinVar (database versions not stated): gnomAD exomes below 0.00001; ExAC 0.00002.
gnomAD v4.1: 4 of 1,594,736 alleles (0.00025%); highest among the groups gnomAD compares: Middle Eastern, 0.033%; no homozygotes.

Submissions (2):

Labcorp Genetics (formerly Invitae), Labcorp
Classification: Uncertain significance for Dyskeratosis congenita, autosomal recessive 6; Pulmonary fibrosis and/or bone marrow failure, Telomere-related, 4. Last evaluated: 2024-01-19. Review status: criteria provided, single submitter. Criteria: Invitae Variant Classification Sherloc (09022015). Collection method: clinical testing. Allele origin: germline.
Comment: This sequence change replaces tyrosine, which is neutral and polar, with cysteine, which is neutral and slightly polar, at codon 76 of the PARN protein (p.Tyr76Cys). The frequency data for this variant in the population databases is considered unreliable, as metrics indicate poor data quality at this position in the gnomAD database. This variant has not been reported in the literature in individuals affected with PARN-related conditions. ClinVar contains an entry for this variant (Variation ID: 1314573). Advanced modeling of protein sequence and biophysical properties (such as structural, functional, and spatial information, amino acid conservation, physicochemical variation, residue mobility, and thermodynamic stability) performed at Invitae indicates that this missense variant is expected to disrupt PARN protein function with a positive predictive value of 80%. In summary, the available evidence is currently insufficient to determine the role of this variant in disease. Therefore, it has been classified as a Variant of Uncertain Significance.

GeneDx
Classification: Uncertain significance. Last evaluated: 2021-04-14. Review status: criteria provided, single submitter. Criteria: GeneDx Variant Classification Process June 2021. Collection method: clinical testing. Allele origin: germline. Affected: yes.
Comment: Not observed at a significant frequency in large population cohorts (Lek et al., 2016); In silico analysis supports that this missense variant has a deleterious effect on protein structure/function; Has not been previously published as pathogenic or benign to our knowledge